The following is an entry in ClinVar:

NM_001144967.3(NEDD4L):c.884C>A (p.Pro295Gln)

Gene: NEDD4L (NEDD4 like E3 ubiquitin protein ligase; plus strand). Cytogenetic location: 18q21.31.
Variant type: single nucleotide variant.
Coding change: c.884C>A on transcript NM_001144967.3 (MANE Select); coding-DNA position 884, C replaced by A.
Protein change: p.Pro295Gln; replaces proline 295 with glutamine.
Molecular consequence: missense variant.
Genome position (GRCh38, 1-based): chr18:58,330,808, C>A. VCF-style: chr18-58330808-C-A. GRCh37 (hg19) VCF-style: chr18-55998040-C-A.
Other names: c.521C>A, p.Pro174Gln (NM_001144964.1, NM_001144965.2, NM_001144966.3 and 2 more transcripts); c.860C>A, p.Pro287Gln (NM_001144968.2, NM_001144969.2); c.884C>A, p.Pro295Gln (NM_001243960.2, NM_015277.6); short protein forms P287Q, P174Q, P295Q.
Identifiers: ClinVar variation 948227 (VCV000948227.9), dbSNP rs147209028, ClinGen allele CA402555586.

ClinVar aggregate classification (germline): Uncertain significance (1 of 4 stars; one submission).

Submission:

Labcorp Genetics (formerly Invitae), Labcorp
Classification: Uncertain significance. Last evaluated: 2022-07-12. Review status: criteria provided, single submitter. Criteria: Invitae Variant Classification Sherloc (09022015). Collection method: clinical testing. Allele origin: germline.
Comment: This sequence change replaces proline, which is neutral and non-polar, with glutamine, which is neutral and polar, at codon 295 of the NEDD4L protein (p.Pro295Gln). In summary, the available evidence is currently insufficient to determine the role of this variant in disease. Therefore, it has been classified as a Variant of Uncertain Significance. Algorithms developed to predict the effect of sequence changes on RNA splicing suggest that this variant may create or strengthen a splice site. Algorithms developed to predict the effect of missense changes on protein structure and function are either unavailable or do not agree on the potential impact of this missense change (SIFT: "Deleterious"; PolyPhen-2: "Benign"; Align-GVGD: "Class C0"). ClinVar contains an entry for this variant (Variation ID: 948227). This variant has not been reported in the literature in individuals affected with NEDD4L-related conditions. This variant is not present in population databases (gnomAD no frequency).